The following is an entry in ClinVar:

ClinVar aggregate classification (germline): Likely pathogenic (1 of 4 stars; one submission).

Submission:

Dasa
Classification: Likely pathogenic. Last evaluated: 2025-05-27. Review status: criteria provided, single submitter. Criteria: DASA Assertion Criteria. Collection method: clinical testing. Allele origin: germline.
Comment: NM_018676.4(THSD1):c.1494del (p.Tyr498*) is a nonsense variant in THSD1 predicted to introduce a premature termination codon and is predicted to result in an absent or altered protein product. Loss of function is an established disease mechanism for THSD1-associated disorders. Also, this variant is absent from population databases. Based on the currently available evidence, this variant is classified as likely pathogenic.

NM_018676.4(THSD1):c.1494del (p.Thr497_Tyr498insTer)

Gene: THSD1 (thrombospondin type 1 domain containing 1; minus strand). Cytogenetic location: 13q14.3.
Variant type: Deletion.
Coding change: c.1494del on transcript NM_018676.4 (MANE Select); coding-DNA position 1494, one base deleted (C; older notation c.1494delC).
Protein change: p.Thr497_Tyr498insTer.
Molecular consequence: nonsense.
Genome position (GRCh38, 1-based): chr13:52,378,476, G deleted on the plus strand (C on the coding strand, the reverse complement: THSD1 is on the minus strand). VCF-style (leftmost placement, unchanged base first): chr13-52378475-TG-T. GRCh37 (hg19) VCF-style: chr13-52952610-TG-T.
Other names: c.1335del, p.Thr444_Tyr445insTer (NM_199263.3).
Identifiers: ClinVar variation 4886489 (VCV004886489.2).